The following is an entry in ClinVar:

ClinVar aggregate classification (germline): Likely benign. Review status: reviewed by expert panel (3 of 4 stars). 6 submissions from 6 submitters: Likely benign (1). 5 of the submissions do not count toward it. Last evaluated 2023-01-12.

Conditions:
Maturity-onset diabetes of the young (MODY). Also called: Maturity onset diabetes mellitus in young. Identifiers: Orphanet 552, MedGen C0342276, MONDO:0018911, HP:0004904.
Monogenic diabetes. Identifiers: Orphanet 183625, MedGen C3888631, MONDO:0015967.

Allele frequency attached by ClinVar (database versions not stated): gnomAD 0.00001; gnomAD exomes 0.00002 and 0.00004; TOPMed 0.00002; ExAC 0.00004; ESP Exome Variant Server 0.00015.
gnomAD v4.1: 35 of 1,613,646 alleles (0.0022%); highest among the groups gnomAD compares: East Asian, 0.0067%; no homozygotes.

Submissions (6):

ClinGen Monogenic Diabetes Variant Curation Expert Panel
Classification: Likely benign for Monogenic diabetes. Last evaluated: 2023-01-12. Review status: reviewed by expert panel. Criteria: MDEP HNF4A Specificiations 1.0.0. Collection method: curation. Allele origin: germline. Inheritance: Autosomal dominant inheritance.
Comment: The c.123C>T variant in the hepatocyte nuclear factor 4 alpha gene, HNF4A, is a synonymous (silent) variant at codon 41 (p.(Cys41=)) of NM_175914.5. This variant is not predicted by SpliceAI to impact splicing (SpliceAI score of 0, which is less than the MDEP cutoff of 0.2) and is not highly conserved (phyloP100way score of -0.297, which is below the MDEP cutoff of 2.0) (BP4, BP7). The Popmax frequency of the c.123C>T variant in gnomAD v2.1.1 is 0.00002295, which falls between ClinGen MDEP-established cutoffs for PM2_Supporting and BS1; thus, neither criterion will be applied. In summary, c.123C>T meets the criteria to be classified as likely benign for monogenic diabetes. ACMG/AMP criteria applied, as specified by the ClinGen MDEP VCEP (specification version 1.0, approved 11/16/22): BP4, BP7.

CeGaT Center for Human Genetics Tuebingen
Classification: Likely benign. Last evaluated: 2023-06-01. Review status: criteria provided, single submitter. Criteria: CeGaT Center For Human Genetics Tuebingen Variant Classification Criteria Version 2. Collection method: clinical testing. Allele origin: germline. Affected: yes. Observed: 1 variant allele. Not counted in ClinVar's aggregate classification.
Comment: HNF4A: BP4, BP7

Labcorp Genetics (formerly Invitae), Labcorp
Classification: Likely benign. Last evaluated: 2023-03-31. Review status: criteria provided, single submitter. Criteria: Invitae Variant Classification Sherloc (09022015). Collection method: clinical testing. Allele origin: germline. Not counted in ClinVar's aggregate classification.

Blueprint Genetics
Classification: Likely benign. Last evaluated: 2021-11-02. Review status: criteria provided, single submitter. Criteria: ACMG Guidelines, 2015. Collection method: clinical testing. Allele origin: germline. Not counted in ClinVar's aggregate classification.

Athena Diagnostics
Classification: Benign. Last evaluated: 2018-03-02. Review status: criteria provided, single submitter. Criteria: Athena Diagnostics Criteria. Collection method: clinical testing. Allele origin: germline. Not counted in ClinVar's aggregate classification.

Clinical Genomics, Uppaluri K&H Personalized Medicine Clinic
Classification: Likely benign for Maturity-onset diabetes of the young. Review status: criteria provided, single submitter. Criteria: K & H Uppaluri Personalized Medicine Clinic Variant Classification & Assertion Criteria_Updated V.1. Collection method: research. Allele origin: unknown. Inheritance: Autosomal dominant inheritance. Not counted in ClinVar's aggregate classification.
Comment: Potent mutations in HNF4A are associated with poor insulin secretion in response to hyperglycemia. Associated with MODY1. Patients initially respond well to sulfonylureas but eventually become insulin dependent. However, more evidence is required to ascertain the role of this particular variant rs147552575 in MODY, yet.

Literature cited by the submitters: DOI 10.1159/000334532 (cited by Clinical Genomics, Uppaluri K&H Personalized Medicine Clinic); PubMed 18268044 (cited by Clinical Genomics, Uppaluri K&H Personalized Medicine Clinic); PubMed 17563455 (cited by Clinical Genomics, Uppaluri K&H Personalized Medicine Clinic); PubMed 32583173 (cited by Clinical Genomics, Uppaluri K&H Personalized Medicine Clinic); PubMed 35052457 (cited by Clinical Genomics, Uppaluri K&H Personalized Medicine Clinic); PubMed 35118593 (cited by Clinical Genomics, Uppaluri K&H Personalized Medicine Clinic).

NM_175914.5(HNF4A):c.123C>T (p.Cys41=)

Gene: HNF4A (hepatocyte nuclear factor 4 alpha; plus strand). Cytogenetic location: 20q13.12.
Variant type: single nucleotide variant.
Coding change: c.123C>T on transcript NM_175914.5 (MANE Select); coding-DNA position 123, C replaced by T.
Protein change: p.Cys41=; no amino-acid change (cysteine 41 retained).
Molecular consequence: synonymous variant.
Genome position (GRCh38, 1-based): chr20:44,406,131, C>T. VCF-style: chr20-44406131-C-T. GRCh37 (hg19) VCF-style: chr20-43034771-C-T.
Other names: NM_175914.5(HNF4A):c.123C>T; p.Cys41=; c.189C>T, p.Cys63= (NM_000457.6, NM_178849.3, NM_178850.3); c.123C>T, p.Cys41= (NM_001030003.3, NM_001030004.3); c.168C>T, p.Cys56= (NM_001258355.2); c.114C>T, p.Cys38= (NM_001287182.2, NM_001287183.2, NM_001287184.2).
Identifiers: ClinVar variation 586013 (VCV000586013.35), dbSNP rs147552575, ClinGen allele CA9870170.
Genomic context (GRCh38, chr20:44,406,131, plus strand): 5'-AGAAGGCACCAACCTCAACGCGCCCAACAGCCTGGGTGTCAGCGCCCTGTGTGCCATCTG[C>T]GGGGACCGGGCCACGGGCAAACACTACGGTGCCTCGAGCTGTGACGGCTGCAAGGGCTTC-3'
Protein context (NP_787110.2, residues 31-51): SLGVSALCAI[Cys41=]GDRATGKHYG